The following is an entry in ClinVar:

NM_176869.3(PPA2):c.556G>A (p.Val186Met)

Gene: PPA2 (inorganic pyrophosphatase 2; minus strand). Cytogenetic location: 4q24.
Variant type: single nucleotide variant.
Coding change: c.556G>A on transcript NM_176869.3 (MANE Select); coding-DNA position 556, G replaced by A.
Protein change: p.Val186Met; replaces valine 186 with methionine.
Molecular consequence: missense variant. On other transcripts: intron variant (1).
Genome position (GRCh38, 1-based): chr4:105,424,295, C>T on the plus strand (G>A on the coding strand, the complement: PPA2 is on the minus strand). VCF-style: chr4-105424295-C-T. GRCh37 (hg19) VCF-style: chr4-106345452-C-T.
Other names: c.469G>A, p.Val157Met (NM_006903.4); c.250G>A, p.Val84Met (NM_176866.2); c.158-25131G>A (NM_176867.3); short protein forms V157M, V186M, V84M.
Identifiers: ClinVar variation 3706357 (VCV003706357.2).

ClinVar aggregate classification (germline): Likely pathogenic (1 of 4 stars; one submission).

gnomAD v4.1: 2 of 1,601,160 alleles (0.00012%); highest among the groups gnomAD compares: Non-Finnish European, 0.000085%; no homozygotes.

Submission:

Labcorp Genetics (formerly Invitae), Labcorp
Classification: Likely pathogenic. Last evaluated: 2024-09-29. Review status: criteria provided, single submitter. Criteria: Invitae Variant Classification Sherloc (09022015). Collection method: clinical testing. Allele origin: germline.
Comment: This sequence change replaces valine, which is neutral and non-polar, with methionine, which is neutral and non-polar, at codon 186 of the PPA2 protein (p.Val186Met). This variant is not present in population databases (gnomAD no frequency). This missense change has been observed in individual(s) with sudden cardiac failure (PMID: 30384889). In at least one individual the data is consistent with being in trans (on the opposite chromosome) from a pathogenic variant. It has also been observed to segregate with disease in related individuals. Invitae Evidence Modeling of protein sequence and biophysical properties (such as structural, functional, and spatial information, amino acid conservation, physicochemical variation, residue mobility, and thermodynamic stability) has been performed for this missense variant. However, the output from this modeling did not meet the statistical confidence thresholds required to predict the impact of this variant on PPA2 protein function. Experimental studies have shown that this missense change affects PPA2 function (PMID: 34400813). In summary, the currently available evidence indicates that the variant is pathogenic, but additional data are needed to prove that conclusively. Therefore, this variant has been classified as Likely Pathogenic.

Literature cited by the submitters: PubMed 30384889; PubMed 34400813.